The following is an entry in ClinVar:

NM_002546.4(TNFRSF11B):c.794A>G (p.Asp265Gly)

Gene: TNFRSF11B (TNF receptor superfamily member 11b; minus strand). Cytogenetic location: 8q24.12.
Variant type: single nucleotide variant.
Coding change: c.794A>G on transcript NM_002546.4 (MANE Select); coding-DNA position 794, A replaced by G.
Protein change: p.Asp265Gly; replaces aspartic acid 265 with glycine.
Molecular consequence: missense variant.
Genome position (GRCh38, 1-based): chr8:118,926,517, T>C on the plus strand (A>G on the coding strand, the complement: TNFRSF11B is on the minus strand). VCF-style: chr8-118926517-T-C. GRCh37 (hg19) VCF-style: chr8-119938756-T-C.
Other names: short protein forms D265G.
Identifiers: ClinVar variation 2965523 (VCV002965523.3), dbSNP rs2488048477, ClinGen allele CA371919151.

ClinVar aggregate classification (germline): Uncertain significance (1 of 4 stars; one submission).

Submission:

Labcorp Genetics (formerly Invitae), Labcorp
Classification: Uncertain significance. Last evaluated: 2023-06-10. Review status: criteria provided, single submitter. Criteria: Invitae Variant Classification Sherloc (09022015). Collection method: clinical testing. Allele origin: germline.
Comment: This sequence change replaces aspartic acid, which is acidic and polar, with glycine, which is neutral and non-polar, at codon 265 of the TNFRSF11B protein (p.Asp265Gly). This variant is not present in population databases (gnomAD no frequency). This variant has not been reported in the literature in individuals affected with TNFRSF11B-related conditions. In summary, the available evidence is currently insufficient to determine the role of this variant in disease. Therefore, it has been classified as a Variant of Uncertain Significance. Advanced modeling of protein sequence and biophysical properties (such as structural, functional, and spatial information, amino acid conservation, physicochemical variation, residue mobility, and thermodynamic stability) performed at Invitae indicates that this missense variant is not expected to disrupt TNFRSF11B protein function. Algorithms developed to predict the effect of sequence changes on RNA splicing suggest that this variant may create or strengthen a splice site.